The following is an entry in ClinVar:

ClinVar aggregate classification (germline): Uncertain significance. Review status: criteria provided, multiple submitters, no conflicts (2 of 4 stars). 2 submissions from 2 submitters: Uncertain significance (2). Last evaluated 2023-11-13.

Allele frequency attached by ClinVar (database versions not stated): gnomAD exomes below 0.00001 and 0.00001; gnomAD 0.00001; TOPMed 0.00002.

Submissions (2):

Ambry Genetics
Classification: Uncertain significance. Last evaluated: 2023-11-13. Review status: criteria provided, single submitter. Criteria: Ambry Variant Classification Scheme 2023. Collection method: clinical testing. Allele origin: germline.

Labcorp Genetics (formerly Invitae), Labcorp
Classification: Uncertain significance. Last evaluated: 2021-07-31. Review status: criteria provided, single submitter. Criteria: Invitae Variant Classification Sherloc (09022015). Collection method: clinical testing. Allele origin: germline.
Comment: This sequence change replaces arginine with tryptophan at codon 717 of the C5 protein (p.Arg717Trp). The arginine residue is highly conserved and there is a moderate physicochemical difference between arginine and tryptophan. In summary, the available evidence is currently insufficient to determine the role of this variant in disease. Therefore, it has been classified as a Variant of Uncertain Significance. Algorithms developed to predict the effect of missense changes on protein structure and function are either unavailable or do not agree on the potential impact of this missense change (SIFT: "Deleterious"; PolyPhen-2: "Probably Damaging"; Align-GVGD: "Class C0"). This variant has not been reported in the literature in individuals affected with C5-related conditions. This variant is not present in population databases (ExAC no frequency).

NM_001735.3(C5):c.2149C>T (p.Arg717Trp)

Gene: C5 (complement C5; minus strand). Cytogenetic location: 9q33.2.
Variant type: single nucleotide variant.
Coding change: c.2149C>T on transcript NM_001735.3 (MANE Select); coding-DNA position 2149, C replaced by T.
Protein change: p.Arg717Trp; replaces arginine 717 with tryptophan.
Molecular consequence: missense variant.
Genome position (GRCh38, 1-based): chr9:121,013,981, G>A on the plus strand (C>T on the coding strand, the complement: C5 is on the minus strand). VCF-style: chr9-121013981-G-A. GRCh37 (hg19) VCF-style: chr9-123776259-G-A.
Other names: c.2167C>T, p.Arg723Trp (NM_001317163.2); c.2149C>T, p.Arg717Trp (NM_001317164.2); c.2149C>T (NM_001735.2); short protein forms R717W, R723W.
Identifiers: ClinVar variation 1479127 (VCV001479127.6), dbSNP rs1416827075, ClinGen allele CA374743628.